The following is an entry in ClinVar:

ClinVar aggregate classification (germline): Uncertain significance (1 of 4 stars; one submission).

Conditions:
Holoprosencephaly 11 (HPE11). Identifiers: Orphanet 2162, MedGen C3280215, MONDO:0013642, OMIM 614226.

gnomAD v4.1: 14 of 1,614,132 alleles (0.00087%); highest among the groups gnomAD compares: Admixed American, 0.0017%; no homozygotes.

Submission:

Labcorp Genetics (formerly Invitae), Labcorp
Classification: Uncertain significance for Holoprosencephaly 11. Last evaluated: 2023-07-21. Review status: criteria provided, single submitter. Criteria: Invitae Variant Classification Sherloc (09022015). Collection method: clinical testing. Allele origin: germline.
Comment: In summary, the available evidence is currently insufficient to determine the role of this variant in disease. Therefore, it has been classified as a Variant of Uncertain Significance. Advanced modeling of protein sequence and biophysical properties (such as structural, functional, and spatial information, amino acid conservation, physicochemical variation, residue mobility, and thermodynamic stability) performed at Invitae indicates that this missense variant is not expected to disrupt CDON protein function. This variant has not been reported in the literature in individuals affected with CDON-related conditions. This variant is present in population databases (rs756812421, gnomAD 0.003%). This sequence change replaces histidine, which is basic and polar, with glutamine, which is neutral and polar, at codon 1081 of the CDON protein (p.His1081Gln).

NM_001378964.1(CDON):c.3243C>A (p.His1081Gln)

Gene: CDON (cell adhesion associated, oncogene regulated; minus strand). Cytogenetic location: 11q24.2.
Variant type: single nucleotide variant.
Coding change: c.3243C>A on transcript NM_001378964.1 (MANE Select); coding-DNA position 3243, C replaced by A.
Protein change: p.His1081Gln; replaces histidine 1081 with glutamine.
Molecular consequence: missense variant.
Genome position (GRCh38, 1-based): chr11:125,981,082, G>T on the plus strand (C>A on the coding strand, the complement: CDON is on the minus strand). VCF-style: chr11-125981082-G-T. GRCh37 (hg19) VCF-style: chr11-125850977-G-T.
Other names: c.3243C>A, p.His1081Gln (NM_001243597.3, NM_016952.6); short protein forms H1081Q.
Identifiers: ClinVar variation 2713586 (VCV002713586.3), dbSNP rs756812421, ClinGen allele CA6351478.
Genomic context (GRCh38, chr11:125,981,082, plus strand): 5'-GCTTTTATTTATAGTTAGGTCTCTTACATTCACTAGATGATGAGGATGTTCAAAATCCAC[G>T]TGTGTCCTGGTTAGAGAGTTGCTGTGCCCGGAGTAAAGCCCTCCATTTAGGCTCCCATTC-3'
Protein context (NP_001365893.1, residues 1071-1091): SGHSNSLTRT[His1081Gln]VDFEHPHHLV